The following is an entry in ClinVar:

NM_001040108.2(MLH3):c.410T>C (p.Val137Ala)

Gene: MLH3 (mutL homolog 3; minus strand). Cytogenetic location: 14q24.3.
Variant type: single nucleotide variant.
Coding change: c.410T>C on transcript NM_001040108.2 (MANE Select); coding-DNA position 410, T replaced by C.
Protein change: p.Val137Ala; replaces valine 137 with alanine.
Molecular consequence: missense variant.
Genome position (GRCh38, 1-based): chr14:75,049,246, A>G on the plus strand (T>C on the coding strand, the complement: MLH3 is on the minus strand). VCF-style: chr14-75049246-A-G. GRCh37 (hg19) VCF-style: chr14-75515949-A-G.
Other names: c.410T>C, p.Val137Ala (NM_014381.3); short protein forms V137A.
Identifiers: ClinVar variation 1737915 (VCV001737915.2), dbSNP rs774230303, ClinGen allele CA390450475.

ClinVar aggregate classification (germline): Uncertain significance (1 of 4 stars; one submission).

Submission:

Ambry Genetics
Classification: Uncertain significance. Last evaluated: 2021-07-18. Review status: criteria provided, single submitter. Criteria: Ambry Variant Classification Scheme 2023. Collection method: clinical testing. Allele origin: germline.
Comment: The p.V137A variant (also known as c.410T>C), located in coding exon 1 of the MLH3 gene, results from a T to C substitution at nucleotide position 410. The valine at codon 137 is replaced by alanine, an amino acid with similar properties. This amino acid position is conserved. In addition, this alteration is predicted to be tolerated by in silico analysis. Since supporting evidence is limited at this time, the clinical significance of this alteration remains unclear.